The following is an entry in ClinVar:

NM_000540.3(RYR1):c.14125A>G (p.Thr4709Ala)

Gene: RYR1 (ryanodine receptor 1; plus strand). Cytogenetic location: 19q13.2.
Variant type: single nucleotide variant.
Coding change: c.14125A>G on transcript NM_000540.3 (MANE Select); coding-DNA position 14125, A replaced by G.
Protein change: p.Thr4709Ala; replaces threonine 4709 with alanine.
Molecular consequence: missense variant.
Genome position (GRCh38, 1-based): chr19:38,573,303, A>G. VCF-style: chr19-38573303-A-G. GRCh37 (hg19) VCF-style: chr19-39063943-A-G.
Other names: c.14110A>G, p.Thr4704Ala (NM_001042723.2); short protein forms T4704A, T4709A.
Identifiers: ClinVar variation 4293632 (VCV004293632.1).

ClinVar aggregate classification (germline): Uncertain significance (1 of 4 stars; one submission).

Conditions:
Central core myopathy (CMYO1A). Also called: Central core disease; Myopathy, central fibrillar; CONGENITAL MYOPATHY 1A, AUTOSOMAL DOMINANT, WITH SUSCEPTIBILITY TO MALIGNANT HYPERTHERMIA. Identifiers: Orphanet 597, MedGen C5830701, MONDO:0007294, OMIM 117000.

Submission:

3billion
Classification: Uncertain significance for Central core myopathy. Last evaluated: 2024-11-26. Review status: criteria provided, single submitter. Criteria: ACMG Guidelines, 2015. Collection method: clinical testing. Allele origin: germline. Affected: yes.
Comment: The variant is not observed in the gnomAD v4.1.0 dataset. Predicted Consequence/Location: Missense variant In silico tool predictions suggest damaging effect of the variant on gene or gene product [3Cnet: 0.99 (>=0.6, sensitivity 0.72 and precision 0.9)]. Different missense changes at the same codon (p.Thr4709Arg, p.Thr4709Met) have been reported as pathogenic/likely pathogenic with strong evidence (ClinVar ID: VCV000065996, VCV002132034 /PMID: 17483490). Therefore, this variant is classified as VUS according to the recommendation of ACMG/AMP guideline.

Literature cited by the submitters: PubMed 17483490.